The following is an entry in ClinVar:

NM_024596.5(MCPH1):c.1779G>C (p.Glu593Asp)

Gene: MCPH1 (microcephalin 1; plus strand). Cytogenetic location: 8p23.1.
Variant type: single nucleotide variant.
Coding change: c.1779G>C on transcript NM_024596.5 (MANE Select); coding-DNA position 1779, G replaced by C.
Protein change: p.Glu593Asp; replaces glutamic acid 593 with aspartic acid.
Molecular consequence: missense variant. On other transcripts: non-coding transcript variant (1).
Genome position (GRCh38, 1-based): chr8:6,445,501, G>C. VCF-style: chr8-6445501-G-C. GRCh37 (hg19) VCF-style: chr8-6303022-G-C.
Other names: c.1779G>C, p.Glu593Asp (NM_001172574.2, NM_001322042.2, NM_001363979.1 and 1 more transcripts); c.1635G>C, p.Glu545Asp (NM_001172575.2); c.1773G>C, p.Glu591Asp (NM_001322043.2); c.1677G>C, p.Glu559Asp (NM_001322045.2); short protein forms E593D, E591D, E545D, E559D.
Identifiers: ClinVar variation 363528 (VCV000363528.8), dbSNP rs750376557, ClinGen allele CA4610641.

ClinVar aggregate classification (germline): Uncertain significance. Review status: criteria provided, multiple submitters, no conflicts (2 of 4 stars). 2 submissions from 2 submitters: Uncertain significance (2). Last evaluated 2022-07-01.

Conditions:
Microcephaly 1, primary, autosomal recessive (MCPH1). Also called: PREMATURE CHROMOSOME CONDENSATION SYNDROME; PCC SYNDROME; PREMATURE CHROMOSOME CONDENSATION WITH MICROCEPHALY AND MENTAL RETARDATION. Identifiers: Orphanet 2512, MedGen C1855081, MONDO:0009617, OMIM 251200.

Allele frequency attached by ClinVar (database versions not stated): ExAC 0.00002; gnomAD 0.00003; gnomAD exomes 0.00003 and 0.00005; TOPMed 0.00008.
gnomAD v4.1: 70 of 1,612,160 alleles (0.0043%); highest among the groups gnomAD compares: Non-Finnish European, 0.0058%; no homozygotes.

Submissions (2):

Labcorp Genetics (formerly Invitae), Labcorp
Classification: Uncertain significance. Last evaluated: 2022-07-01. Review status: criteria provided, single submitter. Criteria: Invitae Variant Classification Sherloc (09022015). Collection method: clinical testing. Allele origin: germline.
Comment: This sequence change replaces glutamic acid, which is acidic and polar, with aspartic acid, which is acidic and polar, at codon 593 of the MCPH1 protein (p.Glu593Asp). This variant is present in population databases (rs750376557, gnomAD 0.007%). This variant has not been reported in the literature in individuals affected with MCPH1-related conditions. ClinVar contains an entry for this variant (Variation ID: 363528). Algorithms developed to predict the effect of missense changes on protein structure and function output the following: SIFT: "Not Available"; PolyPhen-2: "Probably Damaging"; Align-GVGD: "Not Available". The aspartic acid amino acid residue is found in multiple mammalian species, which suggests that this missense change does not adversely affect protein function. In summary, the available evidence is currently insufficient to determine the role of this variant in disease. Therefore, it has been classified as a Variant of Uncertain Significance.

Illumina Laboratory Services, Illumina
Classification: Uncertain significance for Microcephaly 1, primary, autosomal recessive. Last evaluated: 2018-01-13. Review status: criteria provided, single submitter. Criteria: ICSL Variant Classification Criteria 13 December 2019. Collection method: clinical testing. Allele origin: germline.